The following is an entry in ClinVar:

ClinVar aggregate classification (germline): Likely pathogenic (1 of 4 stars; one submission).

Submission:

GeneDx
Classification: Likely pathogenic. Last evaluated: 2024-09-11. Review status: criteria provided, single submitter. Criteria: GeneDx Variant Classification Process June 2021. Collection method: clinical testing. Allele origin: germline. Affected: yes.
Comment: In silico analysis supports that this missense variant has a deleterious effect on protein structure/function; Not observed at significant frequency in large population cohorts (gnomAD); This variant is associated with the following publications: (PMID: 29758562)

NM_001104631.2(PDE4D):c.896C>A (p.Ser299Tyr)

Gene: PDE4D (phosphodiesterase 4D; minus strand). Cytogenetic location: 5q11.2.
Variant type: single nucleotide variant.
Coding change: c.896C>A on transcript NM_001104631.2 (MANE Select); coding-DNA position 896, C replaced by A.
Protein change: p.Ser299Tyr; replaces serine 299 with tyrosine.
Molecular consequence: missense variant. On other transcripts: 5 prime UTR variant (2).
Genome position (GRCh38, 1-based): chr5:59,038,884, G>T on the plus strand (C>A on the coding strand, the complement: PDE4D is on the minus strand). VCF-style: chr5-59038884-G-T. GRCh37 (hg19) VCF-style: chr5-58334711-G-T.
Other names: c.713C>A, p.Ser238Tyr (NM_001165899.2, NM_001364599.1); c.704C>A, p.Ser235Tyr (NM_001197218.2); c.530C>A, p.Ser177Tyr (NM_001197219.2); c.506C>A, p.Ser169Tyr (NM_001197220.2); c.-11C>A (NM_001197221.2, NM_001364603.1); c.224C>A, p.Ser75Tyr (NM_001197222.2); c.683C>A, p.Ser228Tyr (NM_001349241.2); c.566C>A, p.Ser189Tyr (NM_001349242.2); and 2 more; short protein forms S163Y, S169Y, S177Y, S189Y, S228Y, S235Y, S238Y, S299Y.
Identifiers: ClinVar variation 3769802 (VCV003769802.1).